The following is an entry in ClinVar:

ClinVar aggregate classification (germline): Uncertain significance (1 of 4 stars; one submission).

Submission:

Labcorp Genetics (formerly Invitae), Labcorp
Classification: Uncertain significance. Last evaluated: 2020-02-22. Review status: criteria provided, single submitter. Criteria: Invitae Variant Classification Sherloc (09022015). Collection method: clinical testing. Allele origin: germline.
Comment: In summary, the available evidence is currently insufficient to determine the role of this variant in disease. Therefore, it has been classified as a Variant of Uncertain Significance. Algorithms developed to predict the effect of missense changes on protein structure and function (SIFT, PolyPhen-2, Align-GVGD) all suggest that this variant is likely to be disruptive, but these predictions have not been confirmed by published functional studies and their clinical significance is uncertain. This variant has not been reported in the literature in individuals with DHX38-related conditions. This variant is not present in population databases (ExAC no frequency). This sequence change replaces serine with alanine at codon 364 of the DHX38 protein (p.Ser364Ala). The serine residue is highly conserved and there is a moderate physicochemical difference between serine and alanine.

NM_014003.4(DHX38):c.1090T>G (p.Ser364Ala)

Gene: DHX38 (DEAH-box helicase 38; plus strand). Cytogenetic location: 16q22.2.
Variant type: single nucleotide variant.
Coding change: c.1090T>G on transcript NM_014003.4 (MANE Select); coding-DNA position 1090, T replaced by G.
Protein change: p.Ser364Ala; replaces serine 364 with alanine.
Molecular consequence: missense variant.
Genome position (GRCh38, 1-based): chr16:72,099,861, T>G. VCF-style: chr16-72099861-T-G. GRCh37 (hg19) VCF-style: chr16-72133760-T-G.
Other names: short protein forms S364A.
Identifiers: ClinVar variation 965297 (VCV000965297.9), dbSNP rs2042076658, ClinGen allele CA396704567.